The following is an entry in ClinVar:

NM_002454.3(MTRR):c.441G>A (p.Trp147Ter)

Gene: MTRR (5-methyltetrahydrofolate-homocysteine methyltransferase reductase; plus strand). Cytogenetic location: 5p15.31.
Variant type: single nucleotide variant.
Coding change: c.441G>A on transcript NM_002454.3 (MANE Select); coding-DNA position 441, G replaced by A.
Protein change: p.Trp147Ter; replaces tryptophan 147 with a stop codon.
Molecular consequence: nonsense. On other transcripts: non-coding transcript variant (14).
Genome position (GRCh38, 1-based): chr5:7,877,983, G>A. VCF-style: chr5-7877983-G-A. GRCh37 (hg19) VCF-style: chr5-7878096-G-A.
Other names: c.441G>A, p.Trp147Ter (NM_001364440.2, NM_001364441.2, NM_001364442.2 and 1 more transcripts); short protein forms W147*.
Identifiers: ClinVar variation 2718469 (VCV002718469.3), dbSNP rs867974337, ClinGen allele CA113798431.

ClinVar aggregate classification (germline): Pathogenic (1 of 4 stars; one submission).

Conditions:
Methylcobalamin deficiency type cblE (HMAE). Also called: HOMOCYSTINURIA-MEGALOBLASTIC ANEMIA, cblE COMPLEMENTATION TYPE; HOMOCYSTINURIA-MEGALOBLASTIC ANEMIA, cblE TYPE; VITAMIN B12-RESPONSIVE HOMOCYSTINURIA, cblE TYPE. Identifiers: Orphanet 2169, Orphanet 622, MedGen C1856057, MONDO:0009354, OMIM 236270.

Submission:

Labcorp Genetics (formerly Invitae), Labcorp
Classification: Pathogenic for Methylcobalamin deficiency type cblE. Last evaluated: 2023-06-27. Review status: criteria provided, single submitter. Criteria: Invitae Variant Classification Sherloc (09022015). Collection method: clinical testing. Allele origin: germline.
Comment: For these reasons, this variant has been classified as Pathogenic. This variant has not been reported in the literature in individuals affected with MTRR-related conditions. This variant is not present in population databases (gnomAD no frequency). This sequence change creates a premature translational stop signal (p.Trp147*) in the MTRR gene. It is expected to result in an absent or disrupted protein product. Loss-of-function variants in MTRR are known to be pathogenic (PMID: 15714522).

Literature cited by the submitters: PubMed 15714522.